The following is an entry in ClinVar:

ClinVar aggregate classification (germline): Uncertain significance. Review status: criteria provided, multiple submitters, no conflicts (2 of 4 stars). 4 submissions from 4 submitters: Uncertain significance (4). Last evaluated 2025-05-29.

Conditions:
UGT1A1-related disorder. Also called: UGT1A1-related condition; UGT1A1-related disorders.

Allele frequency attached by ClinVar (database versions not stated): gnomAD exomes 0.00005; gnomAD 0.00006 and 0.00007; ExAC 0.00007; TOPMed 0.00007; ESP Exome Variant Server 0.00023.
gnomAD v4.1: 104 of 1,614,030 alleles (0.0064%); highest among the groups gnomAD compares: Middle Eastern, 0.016%; no homozygotes.

Submissions (4):

PreventionGenetics, part of Exact Sciences
Classification: Uncertain significance for UGT1A1-related condition. Last evaluated: 2025-05-29. Review status: criteria provided, single submitter. Criteria: ACMG Guidelines, 2015. Collection method: clinical testing. Allele origin: germline.
Comment: The UGT1A1 c.1156G>A variant is predicted to result in the amino acid substitution p.Val386Ile. To our knowledge, this variant has not been reported in the literature. This variant is reported in 0.0095% of alleles in individuals of European (Non-Finnish) descent in gnomAD. A different missense variant was reported in the compound heterozygous and homozygous states in 2 patients with features of Crigler-Najjar syndrome (p.Val386Phe, Li et al. 2014. PubMed ID: 24793765, D'Antiga et al. 2023. PubMed ID: 37585628). Although we suspect that this variant may be pathogenic, at this time, the clinical significance of this variant is uncertain due to the absence of conclusive functional and genetic evidence.

ARUP Laboratories, Molecular Genetics and Genomics, ARUP Laboratories
Classification: Uncertain significance. Last evaluated: 2023-09-08. Review status: criteria provided, single submitter. Criteria: ARUP Molecular Germline Variant Investigation Process 2024. Collection method: clinical testing. Allele origin: germline.

Mayo Clinic Laboratories, Mayo Clinic
Classification: Uncertain significance. Last evaluated: 2020-11-30. Review status: criteria provided, single submitter. Criteria: ACMG Guidelines, 2015. Collection method: clinical testing. Allele origin: germline. Observed: 1 variant allele.

Eurofins Ntd Llc (ga)
Classification: Uncertain significance. Last evaluated: 2016-10-17. Review status: criteria provided, single submitter. Criteria: EGL Classification Definitions 2015. Collection method: clinical testing. Allele origin: germline. Observed: 1 variant allele, 1 heterozygote.

NM_000463.3(UGT1A1):c.1156G>A (p.Val386Ile)

Genes: UGT1A3 (UDP glucuronosyltransferase family 1 member A3; plus strand), UGT1A4 (UDP glucuronosyltransferase family 1 member A4; plus strand), UGT1A5 (UDP glucuronosyltransferase family 1 member A5; plus strand), UGT1A6 (UDP glucuronosyltransferase family 1 member A6; plus strand), UGT1A9 (UDP glucuronosyltransferase family 1 member A9; plus strand) and 5 more. Cytogenetic location: 2q37.1.
Variant type: single nucleotide variant.
Coding change: c.1156G>A on transcript NM_000463.3 (MANE Select); coding-DNA position 1156, G replaced by A.
Protein change: p.Val386Ile; replaces valine 386 with isoleucine.
Molecular consequence: missense variant.
Genome position (GRCh38, 1-based): chr2:233,768,291, G>A. VCF-style: chr2-233768291-G-A. GRCh37 (hg19) VCF-style: chr2-234676937-G-A.
Other names: c.1147G>A, p.Val383Ile (NM_019075.4, NM_019076.5, NM_019077.3 and 1 more transcripts); c.1153G>A, p.Val385Ile (NM_001072.4); c.352G>A, p.Val118Ile (NM_205862.3); c.1159G>A, p.Val387Ile (NM_019078.2, NM_007120.3, NM_019093.4); short protein forms V386I, V118I, V383I, V385I, V387I.
Identifiers: ClinVar variation 498022 (VCV000498022.13), dbSNP rs143573365, ClinGen allele CA2180020.
Genomic context (GRCh38, chr2:233,768,291, plus strand): 5'-ACCCGTGCCTTTATCACCCATGCTGGTTCCCATGGTGTTTATGAAAGCATATGCAATGGC[G>A]TTCCCATGGTGATGATGCCCTTGTTTGGTGATCAGATGGACAATGCAAAGCGCATGGAGA-3'
Protein context (NP_000454.1, residues 376-396): HGVYESICNG[Val386Ile]PMVMMPLFGD